The following is an entry in ClinVar:

NC_000002.12:g.(?_96761000)_(96809517_?)dup

Gene: CNNM4 (cyclin and CBS domain divalent metal cation transport mediator 4; plus strand). Cytogenetic location: 2q11.2.
Variant type: Duplication.
Identifiers: ClinVar variation 831269 (VCV000831269.1).

ClinVar aggregate classification (germline): Uncertain significance (1 of 4 stars; one submission).

Submission:

Labcorp Genetics (formerly Invitae), Labcorp
Classification: Uncertain significance. Last evaluated: 2019-11-25. Review status: criteria provided, single submitter. Criteria: Invitae Variant Classification Sherloc (09022015). Collection method: clinical testing. Allele origin: germline.
Comment: This variant results in a copy number gain of the genomic region encompassing the full coding sequence of the CNNM4 gene. The boundaries of this event are unknown as they extend beyond the assayed region for this gene and therefore may encompass additional genes. As the precise location of this event is unknown, it may be in tandem or it may be located elsewhere in the genome. This variant has not been reported in the literature in individuals with CNNM4-related conditions. In summary, the available evidence is currently insufficient to determine the role of this variant in disease. Therefore, it has been classified as a Variant of Uncertain Significance.